The following is an entry in ClinVar:

ClinVar aggregate classification (germline): Uncertain significance (1 of 4 stars; one submission).

Allele frequency attached by ClinVar (database versions not stated): gnomAD exomes below 0.00001.
gnomAD v4.1: 1 of 1,613,948 alleles (0.000062%); highest among the groups gnomAD compares: Non-Finnish European, 0.000085%; no homozygotes.

Submission:

Ambry Genetics
Classification: Uncertain significance. Last evaluated: 2024-10-06. Review status: criteria provided, single submitter. Criteria: Ambry Variant Classification Scheme 2023. Collection method: clinical testing. Allele origin: germline.
Comment: The p.E1046G variant (also known as c.3137A>G), located in coding exon 4 of the ALPK2 gene, results from an A to G substitution at nucleotide position 3137. The glutamic acid at codon 1046 is replaced by glycine, an amino acid with similar properties. This amino acid position is conserved. In addition, this alteration is predicted to be tolerated by in silico analysis. Since supporting evidence is limited at this time, the clinical significance of this alteration remains unclear.

NM_052947.4(ALPK2):c.3137A>G (p.Glu1046Gly)

Gene: ALPK2 (alpha kinase 2; minus strand). Cytogenetic location: 18q21.31.
Variant type: single nucleotide variant.
Coding change: c.3137A>G on transcript NM_052947.4 (MANE Select); coding-DNA position 3137, A replaced by G.
Protein change: p.Glu1046Gly; replaces glutamic acid 1046 with glycine.
Molecular consequence: missense variant.
Genome position (GRCh38, 1-based): chr18:58,537,050, T>C on the plus strand (A>G on the coding strand, the complement: ALPK2 is on the minus strand). VCF-style: chr18-58537050-T-C. GRCh37 (hg19) VCF-style: chr18-56204282-T-C.
Other names: short protein forms E1046G.
Identifiers: ClinVar variation 1728021 (VCV001728021.3), dbSNP rs2051653860, ClinGen allele CA402569029.